The following is an entry in ClinVar:

ClinVar aggregate classification (germline): Uncertain significance (1 of 4 stars; one submission).

gnomAD v4.1: 1 of 1,614,188 alleles (0.000062%); highest among the groups gnomAD compares: South Asian, 0.0011%; no homozygotes.

Submission:

Ambry Genetics
Classification: Uncertain significance. Last evaluated: 2026-06-09. Review status: criteria provided, single submitter. Criteria: Ambry Variant Classification Scheme 2023. Collection method: clinical testing. Allele origin: germline.
Comment: The p.H648L variant (also known as c.1943A>T), located in coding exon 1 of the MLH3 gene, results from an A to T substitution at nucleotide position 1943. The histidine at codon 648 is replaced by leucine, an amino acid with similar properties. This amino acid position is conserved. In addition, this alteration is predicted to be tolerated by in silico analysis. Based on the available evidence, the clinical significance of this variant remains unclear.

NM_001040108.2(MLH3):c.1943A>T (p.His648Leu)

Gene: MLH3 (mutL homolog 3; minus strand). Cytogenetic location: 14q24.3.
Variant type: single nucleotide variant.
Coding change: c.1943A>T on transcript NM_001040108.2 (MANE Select); coding-DNA position 1943, A replaced by T.
Protein change: p.His648Leu; replaces histidine 648 with leucine.
Molecular consequence: missense variant.
Genome position (GRCh38, 1-based): chr14:75,047,713, T>A on the plus strand (A>T on the coding strand, the complement: MLH3 is on the minus strand). VCF-style: chr14-75047713-T-A. GRCh37 (hg19) VCF-style: chr14-75514416-T-A.
Other names: c.1943A>T, p.His648Leu (NM_014381.3); short protein forms H648L.
Identifiers: ClinVar variation 4860233 (VCV004860233.1).